The following is an entry in ClinVar:

ClinVar aggregate classification (germline): Uncertain significance (1 of 4 stars; one submission).

Allele frequency attached by ClinVar (database versions not stated): TOPMed below 0.00001; gnomAD exomes 0.00001; ExAC 0.00002.
gnomAD v4.1: 7 of 1,588,170 alleles (0.00044%); highest among the groups gnomAD compares: Non-Finnish European, 0.0006%; no homozygotes.

Submission:

Labcorp Genetics (formerly Invitae), Labcorp
Classification: Uncertain significance. Last evaluated: 2023-07-09. Review status: criteria provided, single submitter. Criteria: Invitae Variant Classification Sherloc (09022015). Collection method: clinical testing. Allele origin: germline.
Comment: In summary, the available evidence is currently insufficient to determine the role of this variant in disease. Therefore, it has been classified as a Variant of Uncertain Significance. Advanced modeling of protein sequence and biophysical properties (such as structural, functional, and spatial information, amino acid conservation, physicochemical variation, residue mobility, and thermodynamic stability) performed at Invitae indicates that this missense variant is not expected to disrupt DCHS1 protein function. This variant has not been reported in the literature in individuals affected with DCHS1-related conditions. The frequency data for this variant in the population databases is considered unreliable, as metrics indicate poor data quality at this position in the gnomAD database. This sequence change replaces threonine, which is neutral and polar, with alanine, which is neutral and non-polar, at codon 2915 of the DCHS1 protein (p.Thr2915Ala).

NM_003737.4(DCHS1):c.8743A>G (p.Thr2915Ala)

Gene: DCHS1 (dachsous cadherin-related 1; minus strand). Cytogenetic location: 11p15.4.
Variant type: single nucleotide variant.
Coding change: c.8743A>G on transcript NM_003737.4 (MANE Select); coding-DNA position 8743, A replaced by G.
Protein change: p.Thr2915Ala; replaces threonine 2915 with alanine.
Molecular consequence: missense variant.
Genome position (GRCh38, 1-based): chr11:6,622,933, T>C on the plus strand (A>G on the coding strand, the complement: DCHS1 is on the minus strand). VCF-style: chr11-6622933-T-C. GRCh37 (hg19) VCF-style: chr11-6644164-T-C.
Other names: short protein forms T2915A.
Identifiers: ClinVar variation 2858429 (VCV002858429.3), dbSNP rs774657881, ClinGen allele CA5859367.